The following is an entry in ClinVar:

NM_000535.7(PMS2):c.695G>C (p.Gly232Ala)

Gene: PMS2 (PMS1 homolog 2, mismatch repair system component; minus strand). Cytogenetic location: 7p22.1.
Variant type: single nucleotide variant.
Coding change: c.695G>C on transcript NM_000535.7 (MANE Select); coding-DNA position 695, G replaced by C.
Protein change: p.Gly232Ala; replaces glycine 232 with alanine.
Molecular consequence: missense variant. On other transcripts: 5 prime UTR variant (2), non-coding transcript variant (1), intron variant (1).
Genome position (GRCh38, 1-based): chr7:5,999,118, C>G on the plus strand (G>C on the coding strand, the complement: PMS2 is on the minus strand). VCF-style: chr7-5999118-C-G. GRCh37 (hg19) VCF-style: chr7-6038749-C-G.
Other names: c.695G>C (NM_000535.5); c.290G>C, p.Gly97Ala (NM_001322003.2, NM_001322004.2, NM_001322005.2 and 2 more transcripts); c.695G>C, p.Gly232Ala (NM_001322006.2, NM_001322014.2); c.377G>C, p.Gly126Ala (NM_001322007.2, NM_001322008.2); c.-239G>C (NM_001322011.2, NM_001322012.2); c.386G>C, p.Gly129Ala (NM_001322015.2); c.133-1695G>C (NM_001322013.2); short protein forms G126A, G129A, G232A, G97A.
Identifiers: ClinVar variation 1003047 (VCV001003047.9), dbSNP rs201811667, ClinGen allele CA366743828.
Genomic context (GRCh38, chr7:5,999,118, plus strand): 5'-CTATAATCACTAGAGCAATAAGAGGCGTTGAAGTAACCGGCCATCACTACCTGCTTCTGC[C>G]CAAACACAGAGCCGATATTTTCCTTTATGCTGGGGCTTCCACCTGTGCATACCACAGGCT-3'
Protein context (NP_000526.2, residues 222-242): SIKENIGSVF[Gly232Ala]QKQLQSLIPF

ClinVar aggregate classification (germline): Uncertain significance. Review status: criteria provided, multiple submitters, no conflicts (2 of 4 stars). 3 submissions from 3 submitters: Uncertain significance (3). Last evaluated 2025-06-10.

Conditions:
Hereditary nonpolyposis colorectal neoplasms. Identifiers: MedGen C0009405, MeSH D003123.
Hereditary cancer-predisposing syndrome. Also called: Hereditary neoplastic syndrome; Neoplastic Syndromes, Hereditary; Tumor predisposition; Hereditary Cancer Syndrome. Identifiers: Orphanet 140162, MedGen C0027672, MeSH D009386, MONDO:0015356.

Submissions (3):

Color Diagnostics, LLC DBA Color Health
Classification: Uncertain significance for Hereditary cancer-predisposing syndrome. Last evaluated: 2025-06-10. Review status: criteria provided, single submitter. Criteria: ACMG Guidelines, 2015. Collection method: clinical testing. Allele origin: germline.
Comment: This missense variant replaces glycine with alanine at codon 232 of the PMS2 protein. Computational prediction suggests that this variant may have deleterious impact on protein structure and function. To our knowledge, functional studies have not been reported for this variant. This variant has not been reported in individuals affected with PMS2-related disorders in the literature. This variant has not been identified in the general population by the Genome Aggregation Database (gnomAD). The available evidence is insufficient to determine the role of this variant in disease conclusively. Therefore, this variant is classified as a Variant of Uncertain Significance.

Ambry Genetics
Classification: Uncertain significance for Hereditary cancer-predisposing syndrome. Last evaluated: 2024-08-05. Review status: criteria provided, single submitter. Criteria: Ambry Variant Classification Scheme 2023. Collection method: clinical testing. Allele origin: germline.
Comment: The p.G232A variant (also known as c.695G>C), located in coding exon 6 of the PMS2 gene, results from a G to C substitution at nucleotide position 695. The glycine at codon 232 is replaced by alanine, an amino acid with similar properties. This amino acid position is highly conserved in available vertebrate species. In addition, this alteration is predicted to be deleterious by in silico analysis. Based on the available evidence, the clinical significance of this variant remains unclear.

Labcorp Genetics (formerly Invitae), Labcorp
Classification: Uncertain significance for Hereditary nonpolyposis colorectal neoplasms. Last evaluated: 2024-03-06. Review status: criteria provided, single submitter. Criteria: Invitae Variant Classification Sherloc (09022015). Collection method: clinical testing. Allele origin: germline.
Comment: This sequence change replaces glycine, which is neutral and non-polar, with alanine, which is neutral and non-polar, at codon 232 of the PMS2 protein (p.Gly232Ala). This variant is not present in population databases (gnomAD no frequency). This variant has not been reported in the literature in individuals affected with PMS2-related conditions. ClinVar contains an entry for this variant (Variation ID: 1003047). Advanced modeling of protein sequence and biophysical properties (such as structural, functional, and spatial information, amino acid conservation, physicochemical variation, residue mobility, and thermodynamic stability) performed at Invitae indicates that this missense variant is expected to disrupt PMS2 protein function with a positive predictive value of 80%. In summary, the available evidence is currently insufficient to determine the role of this variant in disease. Therefore, it has been classified as a Variant of Uncertain Significance.